The following is an entry in ClinVar:

NM_000053.4(ATP7B):c.611T>C (p.Met204Thr)

Gene: ATP7B (ATPase copper transporting beta; minus strand). Cytogenetic location: 13q14.3.
Variant type: single nucleotide variant.
Coding change: c.611T>C on transcript NM_000053.4 (MANE Select); coding-DNA position 611, T replaced by C.
Protein change: p.Met204Thr; replaces methionine 204 with threonine.
Molecular consequence: missense variant.
Genome position (GRCh38, 1-based): chr13:51,974,609, A>G on the plus strand (T>C on the coding strand, the complement: ATP7B is on the minus strand). VCF-style: chr13-51974609-A-G. GRCh37 (hg19) VCF-style: chr13-52548745-A-G.
Other names: c.611T>C, p.Met204Thr (NM_001005918.3, NM_001243182.2, NM_001330578.2 and 30 more transcripts); c.515T>C, p.Met172Thr (NM_001406517.1, NM_001406518.1, NM_001406530.1 and 4 more transcripts); short protein forms M172T, M204T.
Identifiers: ClinVar variation 2878567 (VCV002878567.3), dbSNP rs2547820371, ClinGen allele CA388042325.

ClinVar aggregate classification (germline): Uncertain significance (1 of 4 stars; one submission).

Conditions:
Wilson disease (WND). Also called: Wilson's disease. Identifiers: Orphanet 905, MedGen C0019202, MONDO:0010200, OMIM 277900. Disease mechanism: loss of function.

Submission:

Labcorp Genetics (formerly Invitae), Labcorp
Classification: Uncertain significance for Wilson disease. Last evaluated: 2023-04-06. Review status: criteria provided, single submitter. Criteria: Invitae Variant Classification Sherloc (09022015). Collection method: clinical testing. Allele origin: germline.
Comment: In summary, the available evidence is currently insufficient to determine the role of this variant in disease. Therefore, it has been classified as a Variant of Uncertain Significance. Advanced modeling of protein sequence and biophysical properties (such as structural, functional, and spatial information, amino acid conservation, physicochemical variation, residue mobility, and thermodynamic stability) has been performed at Invitae for this missense variant, however the output from this modeling did not meet the statistical confidence thresholds required to predict the impact of this variant on ATP7B protein function. This variant has not been reported in the literature in individuals affected with ATP7B-related conditions. This variant is not present in population databases (gnomAD no frequency). This sequence change replaces methionine, which is neutral and non-polar, with threonine, which is neutral and polar, at codon 204 of the ATP7B protein (p.Met204Thr).